The following is an entry in ClinVar:

NM_014639.4(SKIC3):c.313G>C (p.Asp105His)

Gene: SKIC3 (SKI3 subunit of superkiller complex; minus strand). Cytogenetic location: 5q15.
Variant type: single nucleotide variant.
Coding change: c.313G>C on transcript NM_014639.4 (MANE Select); coding-DNA position 313, G replaced by C.
Protein change: p.Asp105His; replaces aspartic acid 105 with histidine.
Molecular consequence: missense variant.
Genome position (GRCh38, 1-based): chr5:95,541,828, C>G on the plus strand (G>C on the coding strand, the complement: SKIC3 is on the minus strand). VCF-style: chr5-95541828-C-G. GRCh37 (hg19) VCF-style: chr5-94877532-C-G.
Other names: short protein forms D105H.
Identifiers: ClinVar variation 3162646 (VCV003162646.3), dbSNP rs763350274, ClinGen allele CA3347658.
Genomic context (GRCh38, chr5:95,541,828, plus strand): 5'-AAATTCAAGCTTTGAAAGAAACTGGACTTTCCTCATACATTTCTTACCTCTCATAAAGAT[C>G]CAGGAGCTTTTGGTAAACACCAGGCAAGTCATCCTTAGCATTTATGTGATTATATTTCTC-3'
Protein context (NP_055454.1, residues 95-115): DLPGVYQKLL[Asp105His]LYESVDKQKW

ClinVar aggregate classification (germline): Uncertain significance. Review status: criteria provided, multiple submitters, no conflicts (2 of 4 stars). 2 submissions from 2 submitters: Uncertain significance (2). Last evaluated 2024-09-10.

Conditions:
Inborn genetic diseases. Identifiers: MedGen C0950123, MeSH D030342.

Allele frequency attached by ClinVar (database versions not stated): ExAC 0.00001; gnomAD 0.00001.
gnomAD v4.1: 49 of 1,611,132 alleles (0.003%); highest among the groups gnomAD compares: Non-Finnish European, 0.0039%; no homozygotes.

Submissions (2):

Labcorp Genetics (formerly Invitae), Labcorp
Classification: Uncertain significance. Last evaluated: 2024-09-10. Review status: criteria provided, single submitter. Criteria: Invitae Variant Classification Sherloc (09022015). Collection method: clinical testing. Allele origin: germline.
Comment: This sequence change replaces aspartic acid, which is acidic and polar, with histidine, which is basic and polar, at codon 105 of the TTC37 protein (p.Asp105His). The frequency data for this variant in the population databases is considered unreliable, as metrics indicate poor data quality at this position in the gnomAD database. This variant has not been reported in the literature in individuals affected with TTC37-related conditions. An algorithm developed to predict the effect of missense changes on protein structure and function (PolyPhen-2) suggests that this variant is likely to be disruptive. In summary, the available evidence is currently insufficient to determine the role of this variant in disease. Therefore, it has been classified as a Variant of Uncertain Significance.

Ambry Genetics
Classification: Uncertain significance for Inborn genetic diseases. Last evaluated: 2022-10-26. Review status: criteria provided, single submitter. Criteria: Ambry Variant Classification Scheme 2023. Collection method: clinical testing. Allele origin: germline.